The following is an entry in ClinVar:

NC_000005.9:g.(?_32355866)_(32786451_?)del

Genes: NPR3 (natriuretic peptide receptor 3; plus strand), SUB1 (SUB1 regulator of transcription; plus strand), ZFR (zinc finger RNA binding protein; minus strand). Cytogenetic location: 5p13.3.
Variant type: Deletion.
Identifiers: ClinVar variation 3246424 (VCV003246424.1).

ClinVar aggregate classification (germline): Uncertain significance (1 of 4 stars; one submission).

Conditions:
Pure or complex autosomal recessive spastic paraplegia. Identifiers: Orphanet 320346, MedGen C5679887, MONDO:0017915.

Submission:

Labcorp Genetics (formerly Invitae), Labcorp
Classification: Uncertain significance for Pure or complex autosomal recessive spastic paraplegia. Last evaluated: 2023-04-03. Review status: criteria provided, single submitter. Criteria: Invitae Variant Classification Sherloc (09022015). Collection method: clinical testing. Allele origin: unknown.
Comment: This variant has not been reported in the literature in individuals affected with ZFR-related conditions. In summary, the available evidence is currently insufficient to determine the role of this variant in disease. Therefore, it has been classified as a Variant of Uncertain Significance. A gross deletion of the genomic region encompassing the full coding sequence of the ZFR gene has been identified. The current clinical and genetic evidence is not sufficient to establish whether loss-of-function variants in ZFR cause disease. The boundaries of this event are unknown as they extend beyond the assayed region for this gene and therefore may encompass additional genes.